The following is an entry in ClinVar:

ClinVar aggregate classification (germline): Uncertain significance. Review status: criteria provided, multiple submitters, no conflicts (2 of 4 stars). 2 submissions from 2 submitters: Uncertain significance (2). Last evaluated 2022-07-06.

Conditions:
Inborn genetic diseases. Identifiers: MedGen C0950123, MeSH D030342.

Allele frequency attached by ClinVar (database versions not stated): gnomAD exomes below 0.00001.
gnomAD v4.1: 1 of 1,613,912 alleles (0.000062%); highest among the groups gnomAD compares: Non-Finnish European, 0.000085%; no homozygotes.

Submissions (2):

Labcorp Genetics (formerly Invitae), Labcorp
Classification: Uncertain significance. Last evaluated: 2022-07-06. Review status: criteria provided, single submitter. Criteria: Invitae Variant Classification Sherloc (09022015). Collection method: clinical testing. Allele origin: germline.
Comment: This sequence change replaces alanine, which is neutral and non-polar, with serine, which is neutral and polar, at codon 194 of the GPSM2 protein (p.Ala194Ser). This variant is not present in population databases (gnomAD no frequency). This variant has not been reported in the literature in individuals affected with GPSM2-related conditions. Algorithms developed to predict the effect of missense changes on protein structure and function (SIFT, PolyPhen-2, Align-GVGD) all suggest that this variant is likely to be tolerated. In summary, the available evidence is currently insufficient to determine the role of this variant in disease. Therefore, it has been classified as a Variant of Uncertain Significance.

Ambry Genetics
Classification: Uncertain significance for Inborn genetic diseases. Last evaluated: 2022-05-01. Review status: criteria provided, single submitter. Criteria: Ambry Variant Classification Scheme 2023. Collection method: clinical testing. Allele origin: germline.

NM_013296.5(GPSM2):c.580G>T (p.Ala194Ser)

Gene: GPSM2 (G protein signaling modulator 2; plus strand). Cytogenetic location: 1p13.3.
Variant type: single nucleotide variant.
Coding change: c.580G>T on transcript NM_013296.5 (MANE Select); coding-DNA position 580, G replaced by T.
Protein change: p.Ala194Ser; replaces alanine 194 with serine.
Molecular consequence: missense variant.
Genome position (GRCh38, 1-based): chr1:108,898,664, G>T. VCF-style: chr1-108898664-G-T. GRCh37 (hg19) VCF-style: chr1-109441286-G-T.
Other names: c.580G>T, p.Ala194Ser (NM_001321038.2, NM_001321039.3); short protein forms A194S.
Identifiers: ClinVar variation 1998033 (VCV001998033.5), dbSNP rs2524900965, ClinGen allele CA341458853.
Genomic context (GRCh38, chr1:108,898,664, plus strand): 5'-GCAAACTTATTTTTTCATCACTTTTTGCGATCCCTTAGGGAAAACCTATCATTAGTGACT[G>T]CTTTGGGTGACCGAGCGGCACAAGGACGTGCCTTTGGAAATCTTGGAAACACACATTACC-3'
Protein context (NP_037428.3, residues 184-204): FYEENLSLVT[Ala194Ser]LGDRAAQGRA